The following is an entry in ClinVar:

ClinVar aggregate classification (germline): Uncertain significance (1 of 4 stars; one submission).

gnomAD v4.1: 4 of 1,585,610 alleles (0.00025%); highest among the groups gnomAD compares: African/African-American, 0.0041%; no homozygotes.

Submission:

Labcorp Genetics (formerly Invitae), Labcorp
Classification: Uncertain significance. Last evaluated: 2025-09-28. Review status: criteria provided, single submitter. Criteria: Invitae Variant Classification Sherloc (09022015). Collection method: clinical testing. Allele origin: germline.
Comment: This sequence change falls in intron 16 of the VAV1 gene. It does not directly change the encoded amino acid sequence of the VAV1 protein. This variant is not present in population databases (gnomAD no frequency). This variant has not been reported in the literature in individuals affected with VAV1-related conditions. Algorithms developed to predict the effect of sequence changes on RNA splicing suggest that this variant may disrupt the consensus splice site. In summary, the available evidence is currently insufficient to determine the role of this variant in disease. Therefore, it has been classified as a Variant of Uncertain Significance.

NM_005428.4(VAV1):c.1611-15T>C

Gene: VAV1 (vav guanine nucleotide exchange factor 1; plus strand). Cytogenetic location: 19p13.3.
Variant type: single nucleotide variant.
Coding change: c.1611-15T>C on transcript NM_005428.4 (MANE Select); 15 bases into the intron before coding-DNA position 1611, T replaced by C.
Molecular consequence: intron variant.
Genome position (GRCh38, 1-based): chr19:6,833,513, T>C. VCF-style: chr19-6833513-T-C. GRCh37 (hg19) VCF-style: chr19-6833524-T-C.
Other names: c.1611-15T>C (NM_001258206.2); c.1515-15T>C (NM_001258207.2).
Identifiers: ClinVar variation 4698879 (VCV004698879.1).